The following is an entry in ClinVar:

NM_007294.4(BRCA1):c.4726G>C (p.Glu1576Gln)

Gene: BRCA1 (BRCA1 DNA repair associated; minus strand). Cytogenetic location: 17q21.31.
Variant type: single nucleotide variant.
Coding change: c.4726G>C on transcript NM_007294.4 (MANE Select); coding-DNA position 4726, G replaced by C.
Protein change: p.Glu1576Gln; replaces glutamic acid 1576 with glutamine.
Molecular consequence: missense variant. On other transcripts: non-coding transcript variant (1).
Genome position (GRCh38, 1-based): chr17:43,071,188, C>G on the plus strand (G>C on the coding strand, the complement: BRCA1 is on the minus strand). VCF-style: chr17-43071188-C-G. GRCh37 (hg19) VCF-style: chr17-41223205-C-G.
Other names: c.4597G>C, p.Glu1533Gln (NM_001407686.1, NM_001407687.1, NM_001407689.1 and 6 more transcripts); c.4594G>C, p.Glu1532Gln (NM_001407690.1, NM_001407691.1); c.4585G>C, p.Glu1529Gln (NM_001407694.1, NM_001407692.1, NM_001407695.1 and 13 more transcripts); c.1480G>C, p.Glu494Gln (NM_001407972.1); c.1417G>C, p.Glu473Gln (NM_001407973.1, NM_001407974.1, NM_001407975.1 and 3 more transcripts); c.1414G>C, p.Glu472Gln (NM_001407979.1, NM_001407980.1, NM_001407981.1 and 13 more transcripts); c.1411G>C, p.Glu471Gln (NM_001408392.1, NM_001408396.1, NM_001408397.1 and 8 more transcripts); c.1408G>C, p.Glu470Gln (NM_001408406.1, NM_001408407.1, NM_001408408.1); and 70 more; short protein forms E1576Q, E1529Q, E1597Q, E472Q, E1448Q, E1465Q, E1505Q, E1548Q.
Identifiers: ClinVar variation 418071 (VCV000418071.11), dbSNP rs1060502355, ClinGen allele CA10592055.
Genomic context (GRCh38, chr17:43,071,188, plus strand): 5'-AAGATGGTATGTTGCCAACACGAGCTGACTCTGGGGCTCTGTCTTCAGAAGGATCAGATT[C>G]AGGGTCATCAGAGAAGAGGCTGATTCCAGATTCCAGGTAAGGGGTTCCCTCTGAAAGGAA-3'
Protein context (NP_009225.1, residues 1566-1586): SGISLFSDDP[Glu1576Gln]SDPSEDRAPE

ClinVar aggregate classification (germline): Conflicting classifications of pathogenicity. Review status: criteria provided, conflicting classifications (1 of 4 stars). 2 submissions from 2 submitters: Uncertain significance (1); Likely benign (1). Last evaluated 2024-02-24.

Conditions:
Hereditary breast ovarian cancer syndrome. Also called: Hereditary breast and ovarian cancer; Hereditary breast and/or ovarian cancer syndrome; Hereditary breast and ovarian cancer syndrome; Hereditary breast and ovarian cancer syndrome (HBOC); Breast and ovarian cancer; BRCA1- and BRCA2-Associated Hereditary Breast and Ovarian Cancer. Identifiers: Orphanet 145, MedGen C0677776, MeSH D061325, MONDO:0003582. Disease mechanism: loss of function.

Submissions (2):

Labcorp Genetics (formerly Invitae), Labcorp
Classification: Uncertain significance for Hereditary breast ovarian cancer syndrome. Last evaluated: 2024-02-24. Review status: criteria provided, single submitter. Criteria: Invitae Variant Classification Sherloc (09022015). Collection method: clinical testing. Allele origin: germline.
Comment: This sequence change replaces glutamic acid, which is acidic and polar, with glutamine, which is neutral and polar, at codon 1576 of the BRCA1 protein (p.Glu1576Gln). This variant is not present in population databases (gnomAD no frequency). This missense change has been observed in individual(s) with a personal and/or family history of breast and/or ovarian cancer (PMID: 28111427, 28364669). ClinVar contains an entry for this variant (Variation ID: 418071). Advanced modeling of protein sequence and biophysical properties (such as structural, functional, and spatial information, amino acid conservation, physicochemical variation, residue mobility, and thermodynamic stability) performed at Invitae indicates that this missense variant is not expected to disrupt BRCA1 protein function with a negative predictive value of 95%. In summary, the available evidence is currently insufficient to determine the role of this variant in disease. Therefore, it has been classified as a Variant of Uncertain Significance.

GeneDx
Classification: Likely benign. Last evaluated: 2014-11-10. Review status: criteria provided, single submitter. Criteria: GeneDx Variant Classification (06012015). Collection method: clinical testing. Allele origin: germline. Affected: yes.
Comment: This variant is denoted BRCA1 c.4726G>C at the cDNA level, p.Glu1576Gln (E1576Q) at the protein level, and results in the change of a Glutamic acid to a Glutamine (GAA>CAA). This variant has not, to our knowledge, been published in the literature as pathogenic or benign. BRCA1 Gln1576Q was not observed in approximately 6,500 individuals of European and African American ancestry in the NHLBI Exome Sequencing Project, suggesting it is not a common benign variant in these populations. Since Glutamic acid and Glutamine differ in some properties, this is considered a semi-conservative amino acid substitution. BRCA1 Gln1396Arg occurs at a position that is highly variable across species and is not located in a known functional domain. In silico analyses are inconsistent regarding the effect this variant may have on protein structure and function. Based on an internal observation of this variant co-occurring with a pathogenic BRCA1 variant, as well as currently available information, we consider BRCA1 Glu1576Gln to be a likely benign variant.

Literature cited by the submitters: PubMed 28111427 (cited by Labcorp Genetics (formerly Invitae), Labcorp); PubMed 28364669 (cited by Labcorp Genetics (formerly Invitae), Labcorp).